The following is an entry in ClinVar:

NM_024426.6(WT1):c.130A>G (p.Ile44Val)

Genes: WT1 (WT1 transcription factor; minus strand), LOC107982234 (WT1/WT1-AS bi-directional promoter region; plus strand). Cytogenetic location: 11p13.
Variant type: single nucleotide variant.
Coding change: c.130A>G on transcript NM_024426.6 (MANE Select); coding-DNA position 130, A replaced by G.
Protein change: p.Ile44Val; replaces isoleucine 44 with valine.
Molecular consequence: missense variant. On other transcripts: 5 prime UTR variant (4), non-coding transcript variant (2).
Genome position (GRCh38, 1-based): chr11:32,435,231, T>C on the plus strand (A>G on the coding strand, the complement: WT1 is on the minus strand). VCF-style: chr11-32435231-T-C. GRCh37 (hg19) VCF-style: chr11-32456777-T-C.
Other names: c.130A>G, p.Ile44Val (NM_000378.6, NM_001407044.1, NM_001407045.1 and 6 more transcripts); c.-90A>G (NM_001429031.1, NM_001429032.1, NM_001429033.1 and 1 more transcripts); short protein forms I39V, I44V.
Identifiers: ClinVar variation 4202220 (VCV004202220.1).
Genomic context (GRCh38, chr11:32,435,231, plus strand): 5'-GGCTCCTCCGGCCCTGGAGACGTTCAGCGCTGGCCTCGGCGGCGCCTAACTTGGCCCAGA[T>C]GCCGCCCGGGTCCCGGACTCCCTGCTGCTCTGGCTGCTGTAGGCACCCAGGCCCGGAGCG-3'
Protein context (NP_077744.4, residues 34-54): EQQGVRDPGG[Ile44Val]WAKLGAAEAS

ClinVar aggregate classification (germline): Uncertain significance (1 of 4 stars; one submission).

Conditions:
Inborn genetic diseases. Identifiers: MedGen C0950123, MeSH D030342.

gnomAD v4.1: 3 of 1,535,586 alleles (0.0002%); highest among the groups gnomAD compares: Non-Finnish European, 0.00026%; no homozygotes.

Submission:

Ambry Genetics
Classification: Uncertain significance for Inborn genetic diseases. Last evaluated: 2025-06-29. Review status: criteria provided, single submitter. Criteria: Ambry Variant Classification Scheme 2023. Collection method: clinical testing. Allele origin: germline.
Comment: The p.I39V variant (also known as c.115A>G), located in coding exon 1 of the WT1 gene, results from an A to G substitution at nucleotide position 115. The isoleucine at codon 39 is replaced by valine, an amino acid with highly similar properties. This amino acid position is conserved. In addition, this alteration is predicted to be tolerated by in silico analysis. Based on the available evidence, the clinical significance of this variant remains unclear.